The following is an entry in ClinVar:

NM_152594.3(SPRED1):c.557T>C (p.Val186Ala)

Gene: SPRED1 (sprouty related EVH1 domain containing 1; plus strand). Cytogenetic location: 15q14.
Variant type: single nucleotide variant.
Coding change: c.557T>C on transcript NM_152594.3 (MANE Select); coding-DNA position 557, T replaced by C.
Protein change: p.Val186Ala; replaces valine 186 with alanine.
Molecular consequence: missense variant.
Genome position (GRCh38, 1-based): chr15:38,339,870, T>C. VCF-style: chr15-38339870-T-C. GRCh37 (hg19) VCF-style: chr15-38632071-T-C.
Other names: short protein forms V186A.
Identifiers: ClinVar variation 3800889 (VCV003800889.1).

ClinVar aggregate classification (germline): Uncertain significance (1 of 4 stars; one submission).

Conditions:
Cardiovascular phenotype. Identifiers: MedGen CN230736.

Submission:

Ambry Genetics
Classification: Uncertain significance for Cardiovascular phenotype. Last evaluated: 2024-12-20. Review status: criteria provided, single submitter. Criteria: Ambry Variant Classification Scheme 2023. Collection method: clinical testing. Allele origin: germline.
Comment: The p.V186A variant (also known as c.557T>C), located in coding exon 5 of the SPRED1 gene, results from a T to C substitution at nucleotide position 557. The valine at codon 186 is replaced by alanine, an amino acid with similar properties. This amino acid position is conserved. In addition, this alteration is predicted to be tolerated by in silico analysis. Based on the available evidence, the clinical significance of this variant remains unclear.